The following is an entry in ClinVar:

NM_001035.3(RYR2):c.12692C>T (p.Pro4231Leu)

Genes: RYR2 (ryanodine receptor 2; plus strand), LOC126806068 (BRD4-independent group 4 enhancer GRCh37_chr1:237947411-237948610; plus strand). Cytogenetic location: 1q43.
Variant type: single nucleotide variant.
Coding change: c.12692C>T on transcript NM_001035.3 (MANE Select); coding-DNA position 12692, C replaced by T.
Protein change: p.Pro4231Leu; replaces proline 4231 with leucine.
Molecular consequence: missense variant.
Genome position (GRCh38, 1-based): chr1:237,784,404, C>T. VCF-style: chr1-237784404-C-T. GRCh37 (hg19) VCF-style: chr1-237947704-C-T.
Other names: short protein forms P4231L.
Identifiers: ClinVar variation 1001462 (VCV001001462.12), dbSNP rs1321340277, ClinGen allele CA345413931.

ClinVar aggregate classification (germline): Uncertain significance. Review status: criteria provided, multiple submitters, no conflicts (2 of 4 stars). 2 submissions from 2 submitters: Uncertain significance (2). Last evaluated 2025-04-08.

Conditions:
Cardiomyopathy (CMYO). Also called: Cardiomyopathies. Identifiers: Orphanet 167848, MedGen C0878544, MONDO:0004994, HP:0001638. Inheritance: Various modes of inheritance.
Catecholaminergic polymorphic ventricular tachycardia 1. Also called: RYR2-Related Catecholaminergic Polymorphic Ventricular Tachycardia; VENTRICULAR TACHYCARDIA, CATECHOLAMINERGIC POLYMORPHIC, 1, WITH OR WITHOUT ATRIAL DYSFUNCTION AND/OR DILATED CARDIOMYOPATHY; VENTRICULAR TACHYCARDIA, STRESS-INDUCED POLYMORPHIC 1. Identifiers: Orphanet 3286, MedGen C1631597, MONDO:0011484, OMIM 604772.

Allele frequency attached by ClinVar (database versions not stated): gnomAD 0.00001; TOPMed 0.00001.

Submissions (2):

Labcorp Genetics (formerly Invitae), Labcorp
Classification: Uncertain significance for Catecholaminergic polymorphic ventricular tachycardia 1. Last evaluated: 2025-04-08. Review status: criteria provided, single submitter. Criteria: Invitae Variant Classification Sherloc (09022015). Collection method: clinical testing. Allele origin: germline.
Comment: This sequence change replaces proline, which is neutral and non-polar, with leucine, which is neutral and non-polar, at codon 4231 of the RYR2 protein (p.Pro4231Leu). This variant is not present in population databases (gnomAD no frequency). This missense change has been observed in individual(s) with sudden infant death (PMID: 29544605). ClinVar contains an entry for this variant (Variation ID: 1001462). Invitae Evidence Modeling of protein sequence and biophysical properties (such as structural, functional, and spatial information, amino acid conservation, physicochemical variation, residue mobility, and thermodynamic stability) indicates that this missense variant is not expected to disrupt RYR2 protein function with a negative predictive value of 95%. In summary, the available evidence is currently insufficient to determine the role of this variant in disease. Therefore, it has been classified as a Variant of Uncertain Significance.

Color Diagnostics, LLC DBA Color Health
Classification: Uncertain significance for Cardiomyopathy. Last evaluated: 2021-03-15. Review status: criteria provided, single submitter. Criteria: ACMG Guidelines, 2015. Collection method: clinical testing. Allele origin: germline.
Comment: This missense variant replaces proline with leucine at codon 4231 of the RYR2 protein. Computational prediction suggests that this variant may not impact protein structure and function (internally defined REVEL score threshold <= 0.5, PMID: 27666373). To our knowledge, functional studies have not been reported for this variant. This variant has been reported in an individual affected with sudden infant death syndrome (PMID: 29544605). This variant has not been identified in the general population by the Genome Aggregation Database (gnomAD). The available evidence is insufficient to determine the role of this variant in disease conclusively. Therefore, this variant is classified as a Variant of Uncertain Significance.

Literature cited by the submitters: PubMed 29544605 (cited by Labcorp Genetics (formerly Invitae), Labcorp).